The following is an entry in ClinVar:

ClinVar aggregate classification (germline): Uncertain significance (1 of 4 stars; one submission).

Conditions:
Hereditary cancer-predisposing syndrome. Also called: Neoplastic Syndromes, Hereditary; Tumor predisposition; Hereditary neoplastic syndrome; Hereditary Cancer Syndrome. Identifiers: Orphanet 140162, MedGen C0027672, MeSH D009386, MONDO:0015356.
Familial thoracic aortic aneurysm and aortic dissection (TAAD). Also called: Thoracic aortic aneurysms and dissections. Identifiers: Orphanet 91387, MedGen C4707243, MONDO:0019625.

Submission:

Ambry Genetics
Classification: Uncertain significance for Hereditary cancer-predisposing syndrome; Familial thoracic aortic aneurysm and aortic dissection. Last evaluated: 2024-02-20. Review status: criteria provided, single submitter. Criteria: Ambry Variant Classification Scheme 2023. Collection method: clinical testing. Allele origin: germline.
Comment: The p.F253I variant (also known as c.757T>A), located in coding exon 5 of the SMAD4 gene, results from a T to A substitution at nucleotide position 757. The phenylalanine at codon 253 is replaced by isoleucine, an amino acid with highly similar properties. This amino acid position is conserved. In addition, the in silico prediction for this alteration is inconclusive. Based on the available evidence, the clinical significance of this alteration remains unclear.

NM_005359.6(SMAD4):c.757T>A (p.Phe253Ile)

Gene: SMAD4 (SMAD family member 4; plus strand). Cytogenetic location: 18q21.2.
Variant type: single nucleotide variant.
Coding change: c.757T>A on transcript NM_005359.6 (MANE Select); coding-DNA position 757, T replaced by A.
Protein change: p.Phe253Ile; replaces phenylalanine 253 with isoleucine.
Molecular consequence: missense variant. On other transcripts: non-coding transcript variant (2).
Genome position (GRCh38, 1-based): chr18:51,058,214, T>A. VCF-style: chr18-51058214-T-A. GRCh37 (hg19) VCF-style: chr18-48584584-T-A.
Other names: c.757T>A, p.Phe253Ile (NM_001407041.1, NM_001407042.1, NM_001407043.1); short protein forms F253I.
Identifiers: ClinVar variation 3238426 (VCV003238426.1), dbSNP rs2144427531.